The following is an entry in ClinVar:

ClinVar aggregate classification (germline): Uncertain significance. Review status: criteria provided, multiple submitters, no conflicts (2 of 4 stars). 2 submissions from 2 submitters: Uncertain significance (2). Last evaluated 2024-08-29.

Conditions:
Mucopolysaccharidosis, MPS-III-B (MPS3B). Also called: N-ACETYL-ALPHA-D-GLUCOSAMINIDASE DEFICIENCY; NAGLU DEFICIENCY; SANFILIPPO SYNDROME B; MPS III B; MPS IIIB (Sanfilippo Syndrome Type B); MUCOPOLYSACCHARIDOSIS, TYPE IIIB. Identifiers: Orphanet 79270, MedGen C0086648, MONDO:0009656, OMIM 252920.
Charcot-Marie-Tooth disease axonal type 2V. Also called: CHARCOT-MARIE-TOOTH NEUROPATHY, TYPE 2V; CHARCOT-MARIE-TOOTH DISEASE, AXONAL, AUTOSOMAL DOMINANT, TYPE 2V. Identifiers: Orphanet 447964, MedGen C5569050, MONDO:0014665, OMIM 616491.
Inborn genetic diseases. Identifiers: MedGen C0950123, MeSH D030342.

Allele frequency attached by ClinVar (database versions not stated): gnomAD 0.00001; TOPMed 0.00001; gnomAD exomes 0.00001.

Submissions (2):

Ambry Genetics
Classification: Uncertain significance for Inborn genetic diseases. Last evaluated: 2024-08-29. Review status: criteria provided, single submitter. Criteria: Ambry Variant Classification Scheme 2023. Collection method: clinical testing. Allele origin: germline.

Labcorp Genetics (formerly Invitae), Labcorp
Classification: Uncertain significance for Charcot-Marie-Tooth disease axonal type 2V; Mucopolysaccharidosis, MPS-III-B. Last evaluated: 2022-07-25. Review status: criteria provided, single submitter. Criteria: Invitae Variant Classification Sherloc (09022015). Collection method: clinical testing. Allele origin: germline.
Comment: This sequence change replaces leucine, which is neutral and non-polar, with valine, which is neutral and non-polar, at codon 93 of the NAGLU protein (p.Leu93Val). This variant is present in population databases (no rsID available, gnomAD 0.004%). This variant has not been reported in the literature in individuals affected with NAGLU-related conditions. ClinVar contains an entry for this variant (Variation ID: 1415687). Advanced modeling of protein sequence and biophysical properties (such as structural, functional, and spatial information, amino acid conservation, physicochemical variation, residue mobility, and thermodynamic stability) performed at Invitae indicates that this missense variant is expected to disrupt NAGLU protein function. Algorithms developed to predict the effect of sequence changes on RNA splicing suggest that this variant may create or strengthen a splice site. In summary, the available evidence is currently insufficient to determine the role of this variant in disease. Therefore, it has been classified as a Variant of Uncertain Significance.

NM_000263.4(NAGLU):c.277C>G (p.Leu93Val)

Genes: NAGLU (N-acetyl-alpha-glucosaminidase; plus strand), LOC130060903 (ATAC-STARR-seq lymphoblastoid silent region 8533; plus strand). Cytogenetic location: 17q21.2.
Variant type: single nucleotide variant.
Coding change: c.277C>G on transcript NM_000263.4 (MANE Select); coding-DNA position 277, C replaced by G.
Protein change: p.Leu93Val; replaces leucine 93 with valine.
Molecular consequence: missense variant.
Genome position (GRCh38, 1-based): chr17:42,536,549, C>G. VCF-style: chr17-42536549-C-G. GRCh37 (hg19) VCF-style: chr17-40688567-C-G.
Other names: c.277C>G (NM_000263.3); short protein forms L93V.
Identifiers: ClinVar variation 1415687 (VCV001415687.4), dbSNP rs1285791183, ClinGen allele CA399595915.